The following is an entry in ClinVar:

NM_000446.7(PON1):c.55A>G (p.Asn19Asp)

Gene: PON1 (paraoxonase 1; minus strand). Cytogenetic location: 7q21.3.
Variant type: single nucleotide variant.
Coding change: c.55A>G on transcript NM_000446.7 (MANE Select); coding-DNA position 55, A replaced by G.
Protein change: p.Asn19Asp; replaces asparagine 19 with aspartic acid.
Molecular consequence: missense variant.
Genome position (GRCh38, 1-based): chr7:95,324,421, T>C on the plus strand (A>G on the coding strand, the complement: PON1 is on the minus strand). VCF-style: chr7-95324421-T-C. GRCh37 (hg19) VCF-style: chr7-94953733-T-C.
Other names: short protein forms N19D.
Identifiers: ClinVar variation 2657689 (VCV002657689.24), dbSNP rs141948033, ClinGen allele CA4350439.

ClinVar aggregate classification (germline): Likely benign (1 of 4 stars; one submission).

Allele frequency attached by ClinVar (database versions not stated): 1000 Genomes Project 0.00100; 1000 Genomes Project 30x 0.00109; gnomAD 0.00138; TOPMed 0.00151; gnomAD exomes 0.00156; ExAC 0.00159; ESP Exome Variant Server 0.00161.
gnomAD v4.1: 2,503 of 1,614,146 alleles (0.16%); highest among the groups gnomAD compares: Admixed American, 0.23%; 4 homozygotes.

Submission:

CeGaT Center for Human Genetics Tuebingen
Classification: Likely benign. Last evaluated: 2024-05-01. Review status: criteria provided, single submitter. Criteria: CeGaT Center For Human Genetics Tuebingen Variant Classification Criteria Version 2. Collection method: clinical testing. Allele origin: germline. Affected: yes. Observed: 2 variant alleles.
Comment: PON1: BP4